The following is an entry in ClinVar:

ClinVar aggregate classification (germline): Pathogenic/Likely pathogenic. Review status: criteria provided, multiple submitters, no conflicts (2 of 4 stars). 4 submissions from 4 submitters: Pathogenic (3); Likely pathogenic (1). Last evaluated 2026-03-19.

Conditions:
Mitochondrial DNA depletion syndrome 1. Also called: Mitochondrial neurogastrointestinal encephalomyopathy syndrome; Mitochondrial Neurogastrointestinal Encephalopathy Disease; MITOCHONDRIAL NEUROGASTROINTESTINAL ENCEPHALOPATHY SYNDROME, TYMP-RELATED; MNGIE, TYMP-RELATED; POLIP SYNDROME; POLYNEUROPATHY, OPHTHALMOPLEGIA, LEUKOENCEPHALOPATHY, AND INTESTINAL PSEUDOOBSTRUCTION. Identifiers: Orphanet 298, MedGen C4551995, MONDO:0011283, OMIM 603041.

Allele frequency attached by ClinVar (database versions not stated): gnomAD exomes 0.00001 and 0.00002; ExAC 0.00002.
gnomAD v4.1: 7 of 1,613,974 alleles (0.00043%); highest among the groups gnomAD compares: East Asian, 0.0022%; no homozygotes.

Submissions (4):

Myriad Genetics, Inc.
Classification: Pathogenic for Mitochondrial DNA depletion syndrome 1. Last evaluated: 2026-03-19. Review status: criteria provided, single submitter. Criteria: Myriad Autosomal Dominant, Autosomal Recessive and X-Linked Classification Criteria (2023). Collection method: clinical testing. Allele origin: unknown.
Comment: NM_001953.4(TYMP):c.646+1G>A is a variant in a canonical splice site classified as pathogenic in the context of mitochondrial neurogastrointestinal encephalopathy disease. c.646+1G>A has been observed in cases with relevant disease (PMID: 19523753, 21820356). Relevant functional assessments of this variant are not available in the literature. c.646+1G>A has been observed in referenced population frequency databases. In summary, NM_001953.4(TYMP):c.646+1G>A is a variant in a canonical splice site in a gene where loss of function is a known mechanism of disease, is predicted to disrupt protein function, and has been observed more frequently in cases with the relevant disease than in healthy populations. Please note: this variant was assessed in the context of healthy population screening.

Labcorp Genetics (formerly Invitae), Labcorp
Classification: Likely pathogenic. Last evaluated: 2023-12-06. Review status: criteria provided, single submitter. Criteria: Invitae Variant Classification Sherloc (09022015). Collection method: clinical testing. Allele origin: germline.
Comment: This sequence change affects a donor splice site in intron 5 of the TYMP gene. It is expected to disrupt RNA splicing. Variants that disrupt the donor or acceptor splice site typically lead to a loss of protein function (PMID: 16199547), and loss-of-function variants in TYMP are known to be pathogenic (PMID: 9924029, 15781193). This variant is present in population databases (rs760629248, gnomAD 0.003%). Disruption of this splice site has been observed in individual(s) with mitochondrial neurogastrointestinal encephalomyopathy (PMID: 19523753). This variant is also known as c.130G>A or IVS5+1G>A. ClinVar contains an entry for this variant (Variation ID: 844485). Algorithms developed to predict the effect of sequence changes on RNA splicing suggest that this variant may disrupt the consensus splice site. In summary, the currently available evidence indicates that the variant is pathogenic, but additional data are needed to prove that conclusively. Therefore, this variant has been classified as Likely Pathogenic.

Baylor Genetics
Classification: Pathogenic for Mitochondrial DNA depletion syndrome 1. Last evaluated: 2023-11-27. Review status: criteria provided, single submitter. Criteria: ACMG Guidelines, 2015. Collection method: clinical testing. Allele origin: unknown.

GeneDx
Classification: Pathogenic. Last evaluated: 2023-10-26. Review status: criteria provided, single submitter. Criteria: GeneDx Variant Classification Process June 2021. Collection method: clinical testing. Allele origin: germline. Affected: yes.
Comment: Canonical splice site variant predicted to result in a null allele in a gene for which loss of function is a known mechanism of disease; Not observed at significant frequency in large population cohorts (gnomAD); This variant is associated with the following publications: (PMID: 25525159, 19523753)

Literature cited by the submitters: PubMed 19523753 (cited by Myriad Genetics, Inc. and Labcorp Genetics (formerly Invitae), Labcorp); PubMed 21820356 (cited by Myriad Genetics, Inc.); PubMed 16199547 (cited by Labcorp Genetics (formerly Invitae), Labcorp); PubMed 9924029 (cited by Labcorp Genetics (formerly Invitae), Labcorp); PubMed 15781193 (cited by Labcorp Genetics (formerly Invitae), Labcorp).

NM_001953.5(TYMP):c.646+1G>A

Gene: TYMP (thymidine phosphorylase; minus strand). Cytogenetic location: 22q13.33.
Variant type: single nucleotide variant.
Coding change: c.646+1G>A on transcript NM_001953.5 (MANE Select); the canonical splice donor site of the intron after coding-DNA position 646, G replaced by A.
Molecular consequence: splice donor variant.
Genome position (GRCh38, 1-based): chr22:50,527,587, C>T on the plus strand (G>A on the coding strand, the complement: TYMP is on the minus strand). VCF-style: chr22-50527587-C-T. GRCh37 (hg19) VCF-style: chr22-50966016-C-T.
Other names: c.646+1G>A (NM_001257989.1, NM_001257988.1, NM_001113755.3 and 1 more transcripts).
Identifiers: ClinVar variation 844485 (VCV000844485.14), dbSNP rs760629248, ClinGen allele CA10321682.